The following is an entry in ClinVar:

NM_005732.4(RAD50):c.2082A>T (p.Leu694Phe)

Gene: RAD50 (RAD50 double strand break repair protein; plus strand). Cytogenetic location: 5q31.1.
Variant type: single nucleotide variant.
Coding change: c.2082A>T on transcript NM_005732.4 (MANE Select); coding-DNA position 2082, A replaced by T.
Protein change: p.Leu694Phe; replaces leucine 694 with phenylalanine.
Molecular consequence: missense variant.
Genome position (GRCh38, 1-based): chr5:132,595,685, A>T. VCF-style: chr5-132595685-A-T. GRCh37 (hg19) VCF-style: chr5-131931377-A-T.
Other names: short protein forms L694F.
Identifiers: ClinVar variation 4862835 (VCV004862835.1).

ClinVar aggregate classification (germline): Uncertain significance (1 of 4 stars; one submission).

Conditions:
Hereditary cancer-predisposing syndrome. Also called: Neoplastic Syndromes, Hereditary; Tumor predisposition; Hereditary Cancer Syndrome; Hereditary neoplastic syndrome. Identifiers: Orphanet 140162, MedGen C0027672, MeSH D009386, MONDO:0015356.

gnomAD v4.1: 3 of 1,614,024 alleles (0.00019%); highest among the groups gnomAD compares: Non-Finnish European, 0.00025%; no homozygotes.

Submission:

Ambry Genetics
Classification: Uncertain significance for Hereditary cancer-predisposing syndrome. Last evaluated: 2026-04-05. Review status: criteria provided, single submitter. Criteria: Ambry Variant Classification Scheme 2023. Collection method: clinical testing. Allele origin: germline.
Comment: The p.L694F variant (also known as c.2082A>T), located in coding exon 13 of the RAD50 gene, results from an A to T substitution at nucleotide position 2082. The leucine at codon 694 is replaced by phenylalanine, an amino acid with highly similar properties. This amino acid position is conserved. In addition, this alteration is predicted to be tolerated by in silico analysis. Based on the available evidence, the clinical significance of this variant remains unclear.